The following is an entry in ClinVar:

ClinVar aggregate classification (germline): Uncertain significance (1 of 4 stars; one submission).

Conditions:
Inborn genetic diseases. Identifiers: MedGen C0950123, MeSH D030342.

Allele frequency attached by ClinVar (database versions not stated): gnomAD exomes 0.00001; ExAC 0.00002.
gnomAD v4.1: 3 of 1,613,512 alleles (0.00019%); highest among the groups gnomAD compares: South Asian, 0.0033%; 1 homozygote.

Submission:

Ambry Genetics
Classification: Uncertain significance for Inborn genetic diseases. Last evaluated: 2023-02-25. Review status: criteria provided, single submitter. Criteria: Ambry Variant Classification Scheme 2023. Collection method: clinical testing. Allele origin: germline.
Comment: The p.K2395E variant (also known as c.7183A>G), located in coding exon 42 of the ATR gene, results from an A to G substitution at nucleotide position 7183. The lysine at codon 2395 is replaced by glutamic acid, an amino acid with similar properties. This amino acid position is conserved. In addition, the in silico prediction for this alteration is inconclusive. Since supporting evidence is limited at this time, the clinical significance of this alteration remains unclear.

NM_001184.4(ATR):c.7183A>G (p.Lys2395Glu)

Gene: ATR (ATR checkpoint kinase; minus strand). Cytogenetic location: 3q23.
Variant type: single nucleotide variant.
Coding change: c.7183A>G on transcript NM_001184.4 (MANE Select); coding-DNA position 7183, A replaced by G.
Protein change: p.Lys2395Glu; replaces lysine 2395 with glutamic acid.
Molecular consequence: missense variant.
Genome position (GRCh38, 1-based): chr3:142,461,949, T>C on the plus strand (A>G on the coding strand, the complement: ATR is on the minus strand). VCF-style: chr3-142461949-T-C. GRCh37 (hg19) VCF-style: chr3-142180791-T-C.
Other names: c.6991A>G, p.Lys2331Glu (NM_001354579.2); short protein forms K2331E, K2395E.
Identifiers: ClinVar variation 2453602 (VCV002453602.2), dbSNP rs771783747, ClinGen allele CA2649198.